The following is an entry in ClinVar:

NM_006946.4(SPTBN2):c.2050A>G (p.Thr684Ala)

Gene: SPTBN2 (spectrin beta, non-erythrocytic 2; minus strand). Cytogenetic location: 11q13.2.
Variant type: single nucleotide variant.
Coding change: c.2050A>G on transcript NM_006946.4 (MANE Select); coding-DNA position 2050, A replaced by G.
Protein change: p.Thr684Ala; replaces threonine 684 with alanine.
Molecular consequence: missense variant.
Genome position (GRCh38, 1-based): chr11:66,705,226, T>C on the plus strand (A>G on the coding strand, the complement: SPTBN2 is on the minus strand). VCF-style: chr11-66705226-T-C. GRCh37 (hg19) VCF-style: chr11-66472697-T-C.
Other names: short protein forms T684A.
Identifiers: ClinVar variation 1507433 (VCV001507433.8), dbSNP rs2135447991, ClinGen allele CA381478943.

ClinVar aggregate classification (germline): Uncertain significance (1 of 4 stars; one submission).

Submission:

Labcorp Genetics (formerly Invitae), Labcorp
Classification: Uncertain significance. Last evaluated: 2022-08-16. Review status: criteria provided, single submitter. Criteria: Invitae Variant Classification Sherloc (09022015). Collection method: clinical testing. Allele origin: germline.
Comment: This sequence change replaces threonine, which is neutral and polar, with alanine, which is neutral and non-polar, at codon 684 of the SPTBN2 protein (p.Thr684Ala). This variant is not present in population databases (gnomAD no frequency). This variant has not been reported in the literature in individuals affected with SPTBN2-related conditions. ClinVar contains an entry for this variant (Variation ID: 1507433). Advanced modeling of protein sequence and biophysical properties (such as structural, functional, and spatial information, amino acid conservation, physicochemical variation, residue mobility, and thermodynamic stability) performed at Invitae indicates that this missense variant is not expected to disrupt SPTBN2 protein function. In summary, the available evidence is currently insufficient to determine the role of this variant in disease. Therefore, it has been classified as a Variant of Uncertain Significance.